The following is an entry in ClinVar:

NM_001128840.3(CACNA1D):c.2107A>G (p.Thr703Ala)

Gene: CACNA1D (calcium voltage-gated channel subunit alpha1 D; plus strand). Cytogenetic location: 3p21.1.
Variant type: single nucleotide variant.
Coding change: c.2107A>G on transcript NM_001128840.3 (MANE Select); coding-DNA position 2107, A replaced by G.
Protein change: p.Thr703Ala; replaces threonine 703 with alanine.
Molecular consequence: missense variant.
Genome position (GRCh38, 1-based): chr3:53,726,885, A>G. VCF-style: chr3-53726885-A-G. GRCh37 (hg19) VCF-style: chr3-53760912-A-G.
Other names: c.2167A>G, p.Thr723Ala (NM_000720.4); c.2107A>G, p.Thr703Ala (NM_001128839.3); short protein forms T703A, T723A.
Identifiers: ClinVar variation 1480212 (VCV001480212.8), dbSNP rs748590097, ClinGen allele CA2454146.

ClinVar aggregate classification (germline): Uncertain significance (1 of 4 stars; one submission).

Allele frequency attached by ClinVar (database versions not stated): gnomAD exomes below 0.00001 and 0.00001; TOPMed below 0.00001; ExAC 0.00001.

Submission:

Labcorp Genetics (formerly Invitae), Labcorp
Classification: Uncertain significance. Last evaluated: 2021-06-28. Review status: criteria provided, single submitter. Criteria: Invitae Variant Classification Sherloc (09022015). Collection method: clinical testing. Allele origin: germline.
Comment: In summary, the available evidence is currently insufficient to determine the role of this variant in disease. Therefore, it has been classified as a Variant of Uncertain Significance. Algorithms developed to predict the effect of missense changes on protein structure and function (SIFT, PolyPhen-2, Align-GVGD) all suggest that this variant is likely to be disruptive, but these predictions have not been confirmed by published functional studies and their clinical significance is uncertain. This variant has not been reported in the literature in individuals with CACNA1D-related conditions. This variant is present in population databases (rs748590097, ExAC 0.001%). This sequence change replaces threonine with alanine at codon 723 of the CACNA1D protein (p.Thr723Ala). The threonine residue is highly conserved and there is a small physicochemical difference between threonine and alanine.